The following is an entry in ClinVar:

NM_000419.5(ITGA2B):c.2725G>C (p.Val909Leu)

Gene: ITGA2B (integrin subunit alpha 2b; minus strand). Cytogenetic location: 17q21.31.
Variant type: single nucleotide variant.
Coding change: c.2725G>C on transcript NM_000419.5 (MANE Select); coding-DNA position 2725, G replaced by C.
Protein change: p.Val909Leu; replaces valine 909 with leucine.
Molecular consequence: missense variant.
Genome position (GRCh38, 1-based): chr17:44,375,593, C>G on the plus strand (G>C on the coding strand, the complement: ITGA2B is on the minus strand). VCF-style: chr17-44375593-C-G. GRCh37 (hg19) VCF-style: chr17-42452961-C-G.
Other names: short protein forms V909L.
Identifiers: ClinVar variation 2156901 (VCV002156901.3), dbSNP rs573974230, ClinGen allele CA8602618.
Genomic context (GRCh38, chr17:44,375,593, plus strand): 5'-TCCCCTCTGCCCCGTGGGTCCCGGGGAGGCCGGGCCAGAGACCAGAGAGCCTGCTCACTA[C>G]GAGAACTGGATCCTGAAGCCTCGAGGGCTGCTCGGGCTCTGGCAGGAAGATCTGTCTGCG-3'
Protein context (NP_000410.2, residues 899-919): QPSRLQDPVL[Val909Leu]SCDSAPCTVV

ClinVar aggregate classification (germline): Uncertain significance (1 of 4 stars; one submission).

Conditions:
Glanzmann thrombasthenia. Also called: Thrombasthenia; Glanzmann's thrombasthenia; BLEEDING DISORDER, PLATELET-TYPE, 2; THROMBASTHENIA OF GLANZMANN AND NAEGELI; PLATELET GLYCOPROTEIN IIb-IIIa DEFICIENCY. Identifiers: Orphanet 849, MedGen C0040015, MONDO:0100326.

Allele frequency attached by ClinVar (database versions not stated): ExAC 0.00010; gnomAD 0.00018; TOPMed 0.00023; 1000 Genomes Project 0.00080; 1000 Genomes Project 30x 0.00094.
gnomAD v4.1: 54 of 1,614,048 alleles (0.0033%); highest among the groups gnomAD compares: African/African-American, 0.059%; no homozygotes.

Submission:

Labcorp Genetics (formerly Invitae), Labcorp
Classification: Uncertain significance for Glanzmann thrombasthenia. Last evaluated: 2024-02-01. Review status: criteria provided, single submitter. Criteria: Invitae Variant Classification Sherloc (09022015). Collection method: clinical testing. Allele origin: germline.
Comment: This sequence change replaces valine, which is neutral and non-polar, with leucine, which is neutral and non-polar, at codon 909 of the ITGA2B protein (p.Val909Leu). This variant is present in population databases (rs573974230, gnomAD 0.08%). This variant has not been reported in the literature in individuals affected with ITGA2B-related conditions. ClinVar contains an entry for this variant (Variation ID: 2156901). Algorithms developed to predict the effect of missense changes on protein structure and function output the following: SIFT: "Not Available"; PolyPhen-2: "Benign"; Align-GVGD: "Not Available". The leucine amino acid residue is found in multiple mammalian species, which suggests that this missense change does not adversely affect protein function. In summary, the available evidence is currently insufficient to determine the role of this variant in disease. Therefore, it has been classified as a Variant of Uncertain Significance.